The following is an entry in ClinVar:

ClinVar aggregate classification (germline): Pathogenic. Review status: criteria provided, single submitter (1 of 4 stars). 2 submissions from 2 submitters: Pathogenic (1). 1 of the submissions does not count toward it. Last evaluated 2024-08-28.

Conditions:
Marfan syndrome (MFS). Also called: MARFAN SYNDROME, TYPE I; FBN1-Related Marfan Syndrome; Marfan syndrome type 1; Marfan's syndrome; Marfan syndrome, classic. Identifiers: Orphanet 284963, Orphanet 558, MedGen C0024796, MONDO:0007947, OMIM 154700.
Familial thoracic aortic aneurysm and aortic dissection (TAAD). Also called: Thoracic aortic aneurysms and dissections. Identifiers: Orphanet 91387, MedGen C4707243, MONDO:0019625.

Submissions (2):

Labcorp Genetics (formerly Invitae), Labcorp
Classification: Pathogenic for Marfan syndrome; Familial thoracic aortic aneurysm and aortic dissection. Last evaluated: 2024-08-28. Review status: criteria provided, single submitter. Criteria: Invitae Variant Classification Sherloc (09022015). Collection method: clinical testing. Allele origin: germline.
Comment: This sequence change creates a premature translational stop signal (p.Trp854*) in the FBN1 gene. It is expected to result in an absent or disrupted protein product. Loss-of-function variants in FBN1 are known to be pathogenic (PMID: 17657824, 19293843). This variant is not present in population databases (gnomAD no frequency). This premature translational stop signal has been observed in individual(s) with clinical features of Marfan syndrome (PMID: 9848614, 31098894). ClinVar contains an entry for this variant (Variation ID: 684587). For these reasons, this variant has been classified as Pathogenic.

Sangiuolo Lab - Medical Genetics Laboratory, Tor Vergata University
Classification: Pathogenic for Marfan syndrome. Last evaluated: 2019-06-06. Review status: no assertion criteria provided. Collection method: clinical testing. Allele origin: germline. Affected: yes. Not counted in ClinVar's aggregate classification.

Literature cited by the submitters: PubMed 17657824 (cited by Labcorp Genetics (formerly Invitae), Labcorp); PubMed 19293843 (cited by Labcorp Genetics (formerly Invitae), Labcorp); PubMed 9848614 (cited by Labcorp Genetics (formerly Invitae), Labcorp); PubMed 31098894 (cited by Labcorp Genetics (formerly Invitae), Labcorp); PubMed 31730815 (cited by Sangiuolo Lab - Medical Genetics Laboratory, Tor Vergata University).

NM_000138.5(FBN1):c.2561G>A (p.Trp854Ter)

Gene: FBN1 (fibrillin 1; minus strand). Cytogenetic location: 15q21.1.
Variant type: single nucleotide variant.
Coding change: c.2561G>A on transcript NM_000138.5 (MANE Select); coding-DNA position 2561, G replaced by A.
Protein change: p.Trp854Ter; replaces tryptophan 854 with a stop codon.
Molecular consequence: nonsense.
Genome position (GRCh38, 1-based): chr15:48,495,239, C>T on the plus strand (G>A on the coding strand, the complement: FBN1 is on the minus strand). VCF-style: chr15-48495239-C-T. GRCh37 (hg19) VCF-style: chr15-48787436-C-T.
Other names: short protein forms W854*.
Identifiers: ClinVar variation 684587 (VCV000684587.3), dbSNP rs1597568968, ClinGen allele CA392332862.